The following is an entry in ClinVar:

NM_001042492.3(NF1):c.7477C>T (p.Pro2493Ser)

Gene: NF1 (neurofibromin 1; plus strand). Cytogenetic location: 17q11.2.
Variant type: single nucleotide variant.
Coding change: c.7477C>T on transcript NM_001042492.3 (MANE Select); coding-DNA position 7477, C replaced by T.
Protein change: p.Pro2493Ser; replaces proline 2493 with serine.
Molecular consequence: missense variant.
Genome position (GRCh38, 1-based): chr17:31,352,276, C>T. VCF-style: chr17-31352276-C-T. GRCh37 (hg19) VCF-style: chr17-29679294-C-T.
Other names: c.7414C>T, p.Pro2472Ser (NM_000267.4); short protein forms P2472S, P2493S.
Identifiers: ClinVar variation 859783 (VCV000859783.11), dbSNP rs2070167112, ClinGen allele CA399017460.

ClinVar aggregate classification (germline): Uncertain significance. Review status: criteria provided, multiple submitters, no conflicts (2 of 4 stars). 4 submissions from 4 submitters: Uncertain significance (4). Last evaluated 2025-11-22.

Conditions:
Hereditary cancer-predisposing syndrome. Also called: Hereditary neoplastic syndrome; Tumor predisposition; Neoplastic Syndromes, Hereditary; Hereditary Cancer Syndrome. Identifiers: Orphanet 140162, MedGen C0027672, MeSH D009386, MONDO:0015356.
Cardiovascular phenotype. Identifiers: MedGen CN230736.
Café-au-lait macules with pulmonary stenosis (WTSN). Also called: PULMONIC STENOSIS WITH CAFE-AU-LAIT SPOTS. Identifiers: MedGen C0553586, MONDO:0008672, OMIM 193520.
Neurofibromatosis, familial spinal (FSNF). Identifiers: Orphanet 636, MedGen C1834235, MONDO:0008078, OMIM 162210. Disease mechanism: loss of function.
Neurofibromatosis, type 1 (NF1). Also called: Neurofibromatosis, type I; VON RECKLINGHAUSEN DISEASE; Peripheral type neurofibromatosis; NEUROFIBROMATOSIS, TYPE I, SOMATIC. Identifiers: Orphanet 636, MedGen C0027831, MONDO:0018975, OMIM 162200. Disease mechanism: loss of function.
Neurofibromatosis-Noonan syndrome (NFNS). Also called: NEUROFIBROMATOSIS WITH NOONAN PHENOTYPE. Identifiers: Orphanet 638, MedGen C2931482, MONDO:0011035, OMIM 601321. Disease mechanism: loss of function.
Juvenile myelomonocytic leukemia (JMML). Also called: LEUKEMIA, JUVENILE MYELOMONOCYTIC, SOMATIC. Identifiers: Orphanet 86834, MedGen C0349639, MONDO:0011908, OMIM 607785, HP:0012209.

Allele frequency attached by ClinVar (database versions not stated): gnomAD exomes below 0.00001.
gnomAD v4.1: 1 of 1,614,022 alleles (0.000062%); highest among the groups gnomAD compares: Non-Finnish European, 0.000085%; no homozygotes.

Submissions (4):

Labcorp Genetics (formerly Invitae), Labcorp
Classification: Uncertain significance for Neurofibromatosis, type 1. Last evaluated: 2025-11-22. Review status: criteria provided, single submitter. Criteria: Invitae Variant Classification Sherloc (09022015). Collection method: clinical testing. Allele origin: germline.
Comment: This sequence change replaces proline, which is neutral and non-polar, with serine, which is neutral and polar, at codon 2472 of the NF1 protein (p.Pro2472Ser). This variant is not present in population databases (gnomAD no frequency). This variant has not been reported in the literature in individuals affected with NF1-related conditions. ClinVar contains an entry for this variant (Variation ID: 859783). Invitae Evidence Modeling of protein sequence and biophysical properties (such as structural, functional, and spatial information, amino acid conservation, physicochemical variation, residue mobility, and thermodynamic stability) indicates that this missense variant is not expected to disrupt NF1 protein function with a negative predictive value of 95%. In summary, the available evidence is currently insufficient to determine the role of this variant in disease. Therefore, it has been classified as a Variant of Uncertain Significance.

Fulgent Genetics
Classification: Uncertain significance for Neurofibromatosis, type 1; Neurofibromatosis, familial spinal; Café-au-lait macules with pulmonary stenosis; Neurofibromatosis-Noonan syndrome; Juvenile myelomonocytic leukemia. Last evaluated: 2024-04-25. Review status: criteria provided, single submitter. Criteria: ACMG Guidelines, 2015. Collection method: clinical testing. Allele origin: germline.

Baylor Genetics
Classification: Uncertain significance for Juvenile myelomonocytic leukemia. Last evaluated: 2023-07-06. Review status: criteria provided, single submitter. Criteria: ACMG Guidelines, 2015. Collection method: clinical testing. Allele origin: unknown.

Ambry Genetics
Classification: Uncertain significance for Cardiovascular phenotype; Hereditary cancer-predisposing syndrome. Last evaluated: 2022-11-16. Review status: criteria provided, single submitter. Criteria: Ambry Variant Classification Scheme 2023. Collection method: clinical testing. Allele origin: germline.
Comment: The p.P2472S variant (also known as c.7414C>T), located in coding exon 50 of the NF1 gene, results from a C to T substitution at nucleotide position 7414. The proline at codon 2472 is replaced by serine, an amino acid with similar properties. This amino acid position is highly conserved in available vertebrate species. In addition, the in silico prediction for this alteration is inconclusive. Since supporting evidence is limited at this time, the clinical significance of this alteration remains unclear.